The following is an entry in ClinVar:

ClinVar aggregate classification (germline): Likely benign (0 of 4 stars; one submission).

Conditions:
HTR2C-related disorder. Also called: HTR2C-related condition.

Allele frequency attached by ClinVar (database versions not stated): gnomAD exomes below 0.00001; ExAC 0.00002; TOPMed 0.00006; gnomAD 0.00010.
gnomAD v4.1: 15 of 1,180,022 alleles (0.0013%); highest among the groups gnomAD compares: African/African-American, 0.018%; no homozygotes.

Submission:

PreventionGenetics, part of Exact Sciences
Classification: Likely benign for HTR2C-related condition. Last evaluated: 2022-11-09. Review status: no assertion criteria provided. Collection method: clinical testing. Allele origin: germline.
Comment: This variant is classified as likely benign based on ACMG/AMP sequence variant interpretation guidelines (Richards et al. 2015 PMID: 25741868, with internal and published modifications).

NM_000868.4(HTR2C):c.43C>T (p.Leu15=)

Gene: HTR2C (5-hydroxytryptamine receptor 2C; plus strand). Cytogenetic location: Xq23.
Variant type: single nucleotide variant.
Coding change: c.43C>T on transcript NM_000868.4 (MANE Select); coding-DNA position 43, C replaced by T.
Protein change: p.Leu15=; no amino-acid change (leucine 15 retained).
Molecular consequence: synonymous variant.
Genome position (GRCh38, 1-based): chrX:114,731,301, C>T. VCF-style: chrX-114731301-C-T. GRCh37 (hg19) VCF-style: chrX-113965710-C-T.
Other names: c.43C>T, p.Leu15= (NM_001256760.3, NM_001256761.3).
Identifiers: ClinVar variation 3047470 (VCV003047470.2), dbSNP rs782483805, ClinGen allele CA10495387.